The following is an entry in ClinVar:

NM_025114.4(CEP290):c.2526G>T (p.Glu842Asp)

Gene: CEP290 (centrosomal protein 290; minus strand). Cytogenetic location: 12q21.32.
Variant type: single nucleotide variant.
Coding change: c.2526G>T on transcript NM_025114.4 (MANE Select); coding-DNA position 2526, G replaced by T.
Protein change: p.Glu842Asp; replaces glutamic acid 842 with aspartic acid.
Molecular consequence: missense variant.
Genome position (GRCh38, 1-based): chr12:88,107,056, C>A on the plus strand (G>T on the coding strand, the complement: CEP290 is on the minus strand). VCF-style: chr12-88107056-C-A. GRCh37 (hg19) VCF-style: chr12-88500833-C-A.
Other names: short protein forms E842D.
Identifiers: ClinVar variation 2125502 (VCV002125502.4), dbSNP rs2500630783, ClinGen allele CA385971966.
Genomic context (GRCh38, chr12:88,107,056, plus strand): 5'-ATTATATTCTTTTACTTTTATAGCATCTTGTTGGACTTGATCCTCAAGTTTTCTCTTTTC[C>A]TCTTTTATTGTTTTAGATTCTGTTTTCCAGGTCTCCTTTTCACTAAAAACAAAACAAAAC-3'
Protein context (NP_079390.3, residues 832-852): TWKTESKTIK[Glu842Asp]EKRKLEDQVQ

ClinVar aggregate classification (germline): Uncertain significance (1 of 4 stars; one submission).

Conditions:
Joubert syndrome. Also called: CEREBELLOPARENCHYMAL DISORDER IV; JOUBERT-BOLTSHAUSER SYNDROME; Familial aplasia of the vermis. Identifiers: Orphanet 475, MedGen C5979921, MONDO:0018772.
Nephronophthisis. Also called: Juvenile Nephronophthisis. Identifiers: Orphanet 655, MedGen C0687120, MONDO:0019005, HP:0000090.
Meckel-Gruber syndrome. Also called: DYSENCEPHALIA SPLANCHNOCYSTICA; GRUBER SYNDROME; Dysencephalia splachnocystica. Identifiers: Orphanet 564, MedGen C0265215, MONDO:0018921.

Submission:

Labcorp Genetics (formerly Invitae), Labcorp
Classification: Uncertain significance for Joubert syndrome; Meckel-Gruber syndrome; Nephronophthisis. Last evaluated: 2024-11-05. Review status: criteria provided, single submitter. Criteria: Invitae Variant Classification Sherloc (09022015). Collection method: clinical testing. Allele origin: germline.
Comment: This sequence change replaces glutamic acid, which is acidic and polar, with aspartic acid, which is acidic and polar, at codon 842 of the CEP290 protein (p.Glu842Asp). This variant is not present in population databases (gnomAD no frequency). This variant has not been reported in the literature in individuals affected with CEP290-related conditions. ClinVar contains an entry for this variant (Variation ID: 2125502). Invitae Evidence Modeling of protein sequence and biophysical properties (such as structural, functional, and spatial information, amino acid conservation, physicochemical variation, residue mobility, and thermodynamic stability) indicates that this missense variant is not expected to disrupt CEP290 protein function with a negative predictive value of 80%. In summary, the available evidence is currently insufficient to determine the role of this variant in disease. Therefore, it has been classified as a Variant of Uncertain Significance.